The following is an entry in ClinVar:

NM_004725.4(BUB3):c.329T>C (p.Val110Ala)

Gene: BUB3 (BUB3 mitotic checkpoint protein; plus strand). Cytogenetic location: 10q26.13.
Variant type: single nucleotide variant.
Coding change: c.329T>C on transcript NM_004725.4 (MANE Select); coding-DNA position 329, T replaced by C.
Protein change: p.Val110Ala; replaces valine 110 with alanine.
Molecular consequence: missense variant.
Genome position (GRCh38, 1-based): chr10:123,157,792, T>C. VCF-style: chr10-123157792-T-C. GRCh37 (hg19) VCF-style: chr10-124917308-T-C.
Other names: c.329T>C, p.Val110Ala (NM_001007793.3); short protein forms V110A.
Identifiers: ClinVar variation 1729938 (VCV001729938.2), dbSNP rs2493759871, ClinGen allele CA378625469.

ClinVar aggregate classification (germline): Uncertain significance (1 of 4 stars; one submission).

Submission:

Ambry Genetics
Classification: Uncertain significance. Last evaluated: 2021-06-30. Review status: criteria provided, single submitter. Criteria: Ambry Variant Classification Scheme 2023. Collection method: clinical testing. Allele origin: germline.
Comment: The p.V110A variant (also known as c.329T>C), located in coding exon 3 of the BUB3 gene, results from a T to C substitution at nucleotide position 329. The valine at codon 110 is replaced by alanine, an amino acid with similar properties. This amino acid position is conserved. In addition, the in silico prediction for this alteration is inconclusive. Since supporting evidence is limited at this time, the clinical significance of this alteration remains unclear.